The following is an entry in ClinVar:

NM_001396956.1(GOLGA6L22):c.1519C>A (p.Arg507=)

Gene: GOLGA6L22 (golgin A6 family like 22; plus strand). Cytogenetic location: 15q11.2.
Variant type: single nucleotide variant.
Coding change: c.1519C>A on transcript NM_001396956.1 (MANE Select); coding-DNA position 1519, C replaced by A.
Protein change: p.Arg507=; no amino-acid change (arginine 507 retained).
Molecular consequence: synonymous variant.
Genome position (GRCh38, 1-based): chr15:22,465,779, C>A. VCF-style: chr15-22465779-C-A. GRCh37 (hg19) VCF-style: chr15-23407317-G-T.
Other names: c.1516C>A, p.Arg506= (NM_001396957.1).
Identifiers: ClinVar variation 2644964 (VCV002644964.23), dbSNP rs1377917573, ClinGen allele CA489145319.

ClinVar aggregate classification (germline): Likely benign (1 of 4 stars; one submission).

Submission:

CeGaT Center for Human Genetics Tuebingen
Classification: Likely benign. Last evaluated: 2026-04-01. Review status: criteria provided, single submitter. Criteria: CeGaT Center For Human Genetics Tuebingen Variant Classification Criteria Version 2. Collection method: clinical testing. Allele origin: germline. Affected: yes. Observed: 4 variant alleles.
Comment: RP11-467N20.5: BP4, BP7